The following is an entry in ClinVar:

ClinVar aggregate classification (germline): Uncertain significance (1 of 4 stars; one submission).

Allele frequency attached by ClinVar (database versions not stated): gnomAD exomes below 0.00001.

Submission:

Labcorp Genetics (formerly Invitae), Labcorp
Classification: Uncertain significance. Last evaluated: 2023-04-24. Review status: criteria provided, single submitter. Criteria: Invitae Variant Classification Sherloc (09022015). Collection method: clinical testing. Allele origin: germline.
Comment: In summary, the available evidence is currently insufficient to determine the role of this variant in disease. Therefore, it has been classified as a Variant of Uncertain Significance. Variants that disrupt the consensus splice site are a relatively common cause of aberrant splicing (PMID: 17576681, 9536098). Algorithms developed to predict the effect of sequence changes on RNA splicing suggest that this variant may create or strengthen a splice site. ClinVar contains an entry for this variant (Variation ID: 2090486). This variant has not been reported in the literature in individuals affected with TBCK-related conditions. This variant is not present in population databases (gnomAD no frequency). This sequence change falls in intron 13 of the TBCK gene. It does not directly change the encoded amino acid sequence of the TBCK protein. It affects a nucleotide within the consensus splice site.

Literature cited by the submitters: PubMed 17576681; PubMed 9536098.

NM_001163435.3(TBCK):c.1221-3C>T

Gene: TBCK (TBC1 domain containing kinase; minus strand). Cytogenetic location: 4q24.
Variant type: single nucleotide variant.
Coding change: c.1221-3C>T on transcript NM_001163435.3 (MANE Select); 3 bases into the intron before coding-DNA position 1221, C replaced by T.
Molecular consequence: intron variant.
Genome position (GRCh38, 1-based): chr4:106,236,522, G>A on the plus strand (C>T on the coding strand, the complement: TBCK is on the minus strand). VCF-style: chr4-106236522-G-A. GRCh37 (hg19) VCF-style: chr4-107157679-G-A.
Other names: c.1221-3C>T (NM_001163436.4); c.1032-3C>T (NM_033115.5); c.1104-3C>T (NM_001163437.3); c.705-3C>T (NM_001290768.2).
Identifiers: ClinVar variation 2090486 (VCV002090486.2), dbSNP rs758987177, ClinGen allele CA1066400648.